The following is an entry in ClinVar:

ClinVar aggregate classification (germline): Likely pathogenic (1 of 4 stars; one submission).

Conditions:
COL2A1-related disorder. Also called: COL2A1-related condition; COL2A1-related disorders.

Submission:

PreventionGenetics, part of Exact Sciences
Classification: Likely pathogenic for COL2A1-related condition. Last evaluated: 2023-05-22. Review status: criteria provided, single submitter. Criteria: ACMG Guidelines, 2015. Collection method: clinical testing. Allele origin: germline.
Comment: The COL2A1 c.1987G>A variant is predicted to result in the amino acid substitution p.Gly663Arg. The p.Gly663Arg variant affects a Gly residue of the conserved triple helical domain, where substitutions of the glycine are usually pathogenic (Barat-Houari et al. 2016. PubMed ID: 26626311). In addition, nearby glycine substitutions have been reported to be pathogenic (Human Gene Mutation Database). To our knowledge, this variant has not been reported in the literature or in a large population database, indicating this variant is rare. This variant is interpreted as likely pathogenic.

NM_001844.5(COL2A1):c.1987G>A (p.Gly663Arg)

Gene: COL2A1 (collagen type II alpha 1 chain; minus strand). Cytogenetic location: 12q13.11.
Variant type: single nucleotide variant.
Coding change: c.1987G>A on transcript NM_001844.5 (MANE Select); coding-DNA position 1987, G replaced by A.
Protein change: p.Gly663Arg; replaces glycine 663 with arginine.
Molecular consequence: missense variant.
Genome position (GRCh38, 1-based): chr12:47,983,691, C>T on the plus strand (G>A on the coding strand, the complement: COL2A1 is on the minus strand). VCF-style: chr12-47983691-C-T. GRCh37 (hg19) VCF-style: chr12-48377474-C-T.
Other names: c.1780G>A, p.Gly594Arg (NM_033150.3); short protein forms G594R, G663R.
Identifiers: ClinVar variation 2632503 (VCV002632503.1), dbSNP rs2540139870, ClinGen allele CA384548348.